The following is an entry in ClinVar:

NM_001367624.2(ZNF469):c.7502C>T (p.Ala2501Val)

Gene: ZNF469 (zinc finger protein 469; plus strand). Cytogenetic location: 16q24.2.
Variant type: single nucleotide variant.
Coding change: c.7502C>T on transcript NM_001367624.2 (MANE Select); coding-DNA position 7502, C replaced by T.
Protein change: p.Ala2501Val; replaces alanine 2501 with valine.
Molecular consequence: missense variant.
Genome position (GRCh38, 1-based): chr16:88,434,972, C>T. VCF-style: chr16-88434972-C-T. GRCh37 (hg19) VCF-style: chr16-88501380-C-T.
Other names: NM_001127464.1:c.7418C>T; short protein forms A2501V.
Identifiers: ClinVar variation 1758812 (VCV001758812.5), dbSNP rs1410902295, ClinGen allele CA397112818.

ClinVar aggregate classification (germline): Uncertain significance. Review status: criteria provided, multiple submitters, no conflicts (2 of 4 stars). 2 submissions from 2 submitters: Uncertain significance (2). Last evaluated 2024-07-14.

Conditions:
Cardiovascular phenotype. Identifiers: MedGen CN230736.

Allele frequency attached by ClinVar (database versions not stated): gnomAD exomes below 0.00001; TOPMed 0.00001; gnomAD 0.00002.
gnomAD v4.1: 9 of 1,549,794 alleles (0.00058%); highest among the groups gnomAD compares: Middle Eastern, 0.033%; no homozygotes.

Submissions (2):

Ambry Genetics
Classification: Uncertain significance for Cardiovascular phenotype. Last evaluated: 2024-07-14. Review status: criteria provided, single submitter. Criteria: Ambry Variant Classification Scheme 2023. Collection method: clinical testing. Allele origin: germline.
Comment: The p.A2473V variant (also known as c.7418C>T), located in coding exon 2 of the ZNF469 gene, results from a C to T substitution at nucleotide position 7418. The alanine at codon 2473 is replaced by valine, an amino acid with similar properties. This amino acid position is conserved. In addition, this alteration is predicted to be tolerated by in silico analysis. Since supporting evidence is limited at this time, the clinical significance of this alteration remains unclear.

Labcorp Genetics (formerly Invitae), Labcorp
Classification: Uncertain significance. Last evaluated: 2024-02-19. Review status: criteria provided, single submitter. Criteria: Invitae Variant Classification Sherloc (09022015). Collection method: clinical testing. Allele origin: germline.
Comment: This sequence change replaces alanine, which is neutral and non-polar, with valine, which is neutral and non-polar, at codon 2473 of the ZNF469 protein (p.Ala2473Val). This variant is not present in population databases (gnomAD no frequency). This variant has not been reported in the literature in individuals affected with ZNF469-related conditions. ClinVar contains an entry for this variant (Variation ID: 1758812). Algorithms developed to predict the effect of missense changes on protein structure and function output the following: SIFT: "Not Available"; PolyPhen-2: "Benign"; Align-GVGD: "Not Available". The valine amino acid residue is found in multiple mammalian species, which suggests that this missense change does not adversely affect protein function. In summary, the available evidence is currently insufficient to determine the role of this variant in disease. Therefore, it has been classified as a Variant of Uncertain Significance.